The following is an entry in ClinVar:

ClinVar aggregate classification (germline): Likely benign. Review status: criteria provided, multiple submitters, no conflicts (2 of 4 stars). 2 submissions from 2 submitters: Likely benign (2). Last evaluated 2024-09-12.

Conditions:
Hereditary diffuse gastric adenocarcinoma (HDGC). Also called: DIFFUSE GASTRIC AND LOBULAR BREAST CANCER SYNDROME. Identifiers: Orphanet 26106, MedGen C1708349, MONDO:0007648, OMIM 137215.

Submissions (2):

Myriad Genetics, Inc.
Classification: Likely benign for Hereditary diffuse gastric adenocarcinoma. Last evaluated: 2024-09-12. Review status: criteria provided, single submitter. Criteria: Myriad Autosomal Dominant, Autosomal Recessive and X-Linked Classification Criteria (2023). Collection method: clinical testing. Allele origin: unknown.
Comment: This variant is considered likely benign. This variant is intronic and is not expected to impact mRNA splicing.

Labcorp Genetics (formerly Invitae), Labcorp
Classification: Likely benign for Hereditary diffuse gastric adenocarcinoma. Last evaluated: 2021-10-15. Review status: criteria provided, single submitter. Criteria: Invitae Variant Classification Sherloc (09022015). Collection method: clinical testing. Allele origin: germline.

NM_004360.5(CDH1):c.388-12_388-10del

Gene: CDH1 (cadherin 1; plus strand). Cytogenetic location: 16q22.1.
Variant type: Microsatellite.
Coding change: c.388-12_388-10del on transcript NM_004360.5 (MANE Select); 12 bases into the intron before coding-DNA position 388 through 10 bases into the intron before coding-DNA position 388, 3 bases deleted (CTT; older notation c.388-12_388-10delCTT).
Molecular consequence: intron variant.
Genome position (GRCh38, 1-based): chr16:68,808,412-68,808,414, CTT deleted; deleting any 3 consecutive bases within chr16:68,808,408-68,808,414 gives the same sequence; the c. name uses the placement nearest the transcript's 3' end. VCF-style (leftmost placement, unchanged base first): chr16-68808407-ATCT-A. GRCh37 (hg19) VCF-style: chr16-68842310-ATCT-A.
Other names: c.-1228-12_-1228-10del (NM_001317185.2); c.-1432-12_-1432-10del (NM_001317186.2); c.388-12_388-10del (NM_001317184.2).
Identifiers: ClinVar variation 1549559 (VCV001549559.9), dbSNP rs1213234602, ClinGen allele CA623136624.